The following is an entry in ClinVar:

ClinVar aggregate classification (germline): Likely benign (1 of 4 stars; one submission).

Conditions:
Hereditary cancer-predisposing syndrome. Also called: Hereditary Cancer Syndrome; Neoplastic Syndromes, Hereditary; Hereditary neoplastic syndrome; Tumor predisposition. Identifiers: Orphanet 140162, MedGen C0027672, MeSH D009386, MONDO:0015356.

Submission:

Ambry Genetics
Classification: Likely benign for Hereditary cancer-predisposing syndrome. Last evaluated: 2016-04-05. Review status: criteria provided, single submitter. Criteria: Ambry Autosomal Dominant and X-Linked criteria (10/2015). Collection method: clinical testing. Allele origin: germline. Observed: 1 variant allele.
Comment: Co-occurence with mutation in same gene (phase unknown);Rarity in general population databases (dbsnp, esp, 1000 genomes);Synonymous alterations with insufficient evidence to classify as benign

NM_001042492.3(NF1):c.2757T>C (p.Asp919=)

Gene: NF1 (neurofibromin 1; plus strand). Cytogenetic location: 17q11.2.
Variant type: single nucleotide variant.
Coding change: c.2757T>C on transcript NM_001042492.3 (MANE Select); coding-DNA position 2757, T replaced by C.
Protein change: p.Asp919=; no amino-acid change (aspartic acid 919 retained).
Molecular consequence: synonymous variant.
Genome position (GRCh38, 1-based): chr17:31,229,372, T>C. VCF-style: chr17-31229372-T-C. GRCh37 (hg19) VCF-style: chr17-29556390-T-C.
Other names: c.2757T>C, p.Asp919= (NM_000267.4).
Identifiers: ClinVar variation 428990 (VCV000428990.3), dbSNP rs1131691110, ClinGen allele CA499228710.